The following is an entry in ClinVar:

ClinVar aggregate classification (germline): Benign (1 of 4 stars; one submission).

Allele frequency attached by ClinVar (database versions not stated): 1000 Genomes Project 0.62360; TOPMed 0.66942; gnomAD 0.67263 and 0.68123.
gnomAD v4.1: 101,775 of 151,310 alleles (67%); highest among the groups gnomAD compares: African/African-American, 78%; 34,838 homozygotes.

Submission:

GeneDx
Classification: Benign. Last evaluated: 2018-06-14. Review status: criteria provided, single submitter. Criteria: GeneDx Variant Classification (06012015). Collection method: clinical testing. Allele origin: germline. Affected: yes.
Comment: This variant is considered likely benign or benign based on one or more of the following criteria: it is a conservative change, it occurs at a poorly conserved position in the protein, it is predicted to be benign by multiple in silico algorithms, and/or has population frequency not consistent with disease.

NM_004820.5(CYP7B1):c.259+281A>T

Gene: CYP7B1 (cytochrome P450 family 7 subfamily B member 1; minus strand). Cytogenetic location: 8q12.3.
Variant type: single nucleotide variant.
Coding change: c.259+281A>T on transcript NM_004820.5 (MANE Select); 281 bases into the intron after coding-DNA position 259, A replaced by T.
Molecular consequence: intron variant.
Genome position (GRCh38, 1-based): chr8:64,624,122, T>A on the plus strand (A>T on the coding strand, the complement: CYP7B1 is on the minus strand). VCF-style: chr8-64624122-T-A. GRCh37 (hg19) VCF-style: chr8-65536679-T-A.
Other names: c.259+281A>T (NM_001324112.2).
Identifiers: ClinVar variation 668113 (VCV000668113.1), dbSNP rs13251633, ClinGen allele CA178391874.